The following is an entry in ClinVar:

NM_001039141.3(TRIOBP):c.5322+5281GGC[8]

Gene: TRIOBP (TRIO and F-actin binding protein; plus strand). Cytogenetic location: 22q13.1.
Variant type: Microsatellite.
Coding change: c.5322+5281GGC[8] on transcript NM_001039141.3 (MANE Select); eight copies in a row of the 3-base unit GGC starting at c.5322+5281.
Molecular consequence: intron variant. On other transcripts: inframe insertion (2).
Genome position: GRCh38 VCF-style: chr22-37746312-G-GGGC. GRCh37 (hg19) VCF-style: chr22-38142319-G-GGGC.
Other names: c.78CGG[8], p.Gly33_Val34insGly (NM_007032.5, NM_138632.2); c.96_98dupCGG (NM_007032.5).
Identifiers: ClinVar variation 2653124 (VCV002653124.25), dbSNP rs953748818, ClinGen allele CA324148741.
Genomic context (GRCh38, chr22:37,746,312, plus strand): 5'-GGGGCCGGGGCAGCGTCGGGGAAAGGAAGGGCCGGAGGCGCGGCGGCGGGCGGCCGAGAG[G>GGGC]GGCGGCGGCGGCGGCGGCGGCGGGGTTCCCGCGCCGCGGAGCCCGGCCCGAGAGCCGCGT-3'

ClinVar aggregate classification (germline): Conflicting classifications of pathogenicity. Review status: criteria provided, conflicting classifications (1 of 4 stars). 3 submissions from 3 submitters: Uncertain significance (1); Likely benign (1). 1 of the submissions does not count toward it. Last evaluated 2026-08-01.

Conditions:
TRIOBP-related disorder. Also called: TRIOBP-related condition.

Submissions (3):

CeGaT Center for Human Genetics Tuebingen
Classification: Likely benign. Last evaluated: 2026-08-01. Review status: criteria provided, single submitter. Criteria: CeGaT Center For Human Genetics Tuebingen Variant Classification Criteria Version 2. Collection method: clinical testing. Allele origin: germline. Affected: yes. Observed: 2 variant alleles.
Comment: TRIOBP: BP3, BS2

Blueprint Genetics
Classification: Uncertain significance. Last evaluated: 2024-11-18. Review status: criteria provided, single submitter. Criteria: ACMG Guidelines, 2015. Collection method: clinical testing. Allele origin: germline.

PreventionGenetics, part of Exact Sciences
Classification: Benign for TRIOBP-related condition. Last evaluated: 2024-05-13. Review status: no assertion criteria provided. Collection method: clinical testing. Allele origin: germline. Not counted in ClinVar's aggregate classification.
Comment: This variant is classified as benign based on ACMG/AMP sequence variant interpretation guidelines (Richards et al. 2015 PMID: 25741868, with internal and published modifications).